The following is an entry in ClinVar:

ClinVar aggregate classification (germline): Uncertain significance (1 of 4 stars; one submission).

gnomAD v4.1: 2 of 1,612,776 alleles (0.00012%); highest among the groups gnomAD compares: Non-Finnish European, 0.00017%; no homozygotes.

Submission:

Labcorp Genetics (formerly Invitae), Labcorp
Classification: Uncertain significance. Last evaluated: 2022-07-25. Review status: criteria provided, single submitter. Criteria: Invitae Variant Classification Sherloc (09022015). Collection method: clinical testing. Allele origin: germline.
Comment: In summary, the available evidence is currently insufficient to determine the role of this variant in disease. Therefore, it has been classified as a Variant of Uncertain Significance. Algorithms developed to predict the effect of missense changes on protein structure and function are either unavailable or do not agree on the potential impact of this missense change (SIFT: "Deleterious"; PolyPhen-2: "Probably Damaging"; Align-GVGD: "Class C15"). This variant has not been reported in the literature in individuals affected with SPTBN1-related conditions. This variant is not present in population databases (gnomAD no frequency). This sequence change replaces threonine, which is neutral and polar, with methionine, which is neutral and non-polar, at codon 1178 of the SPTBN1 protein (p.Thr1178Met).

NM_003128.3(SPTBN1):c.3533C>T (p.Thr1178Met)

Gene: SPTBN1 (spectrin beta, non-erythrocytic 1; plus strand). Cytogenetic location: 2p16.2.
Variant type: single nucleotide variant.
Coding change: c.3533C>T on transcript NM_003128.3 (MANE Select); coding-DNA position 3533, C replaced by T.
Protein change: p.Thr1178Met; replaces threonine 1178 with methionine.
Molecular consequence: missense variant.
Genome position (GRCh38, 1-based): chr2:54,631,580, C>T. VCF-style: chr2-54631580-C-T. GRCh37 (hg19) VCF-style: chr2-54858717-C-T.
Other names: c.3494C>T, p.Thr1165Met (NM_178313.3); short protein forms T1165M, T1178M.
Identifiers: ClinVar variation 2182223 (VCV002182223.4), dbSNP rs878944023, ClinGen allele CA47502774.